The following is an entry in ClinVar:

NM_000124.4(ERCC6):c.1116_1125del (p.Glu373fs)

Gene: ERCC6 (ERCC excision repair 6, chromatin remodeling factor; minus strand). Cytogenetic location: 10q11.23.
Variant type: Deletion.
Coding change: c.1116_1125del on transcript NM_000124.4 (MANE Select); coding-DNA positions 1116 to 1125, 10 bases deleted (TGAGTATTTC; older notation c.1116_1125delTGAGTATTTC).
Protein change: p.Glu373fs; shifts the reading frame from glutamic acid 373.
Molecular consequence: frameshift variant.
Genome position (GRCh38, 1-based): chr10:49,524,305-49,524,314, GAAATACTCA deleted on the plus strand (TGAGTATTTC on the coding strand, the reverse complement: ERCC6 is on the minus strand); deleting any 10 consecutive bases within chr10:49,524,305-49,524,316 gives the same sequence; the c. name uses the placement nearest the transcript's 3' end. VCF-style (leftmost placement, unchanged base first): chr10-49524304-GGAAATACTCA-G. GRCh37 (hg19) VCF-style: chr10-50732350-GGAAATACTCA-G.
Other names: c.1116_1125del, p.Glu373fs (NM_001277058.2, NM_001277059.2, NM_001346440.2); short protein forms E373fs.
Identifiers: ClinVar variation 2018041 (VCV002018041.4), dbSNP rs2496139507, ClinGen allele CA2580081565.

ClinVar aggregate classification (germline): Pathogenic (1 of 4 stars; one submission).

Submission:

Labcorp Genetics (formerly Invitae), Labcorp
Classification: Pathogenic. Last evaluated: 2022-07-19. Review status: criteria provided, single submitter. Criteria: Invitae Variant Classification Sherloc (09022015). Collection method: clinical testing. Allele origin: germline.
Comment: For these reasons, this variant has been classified as Pathogenic. This variant has not been reported in the literature in individuals affected with ERCC6-related conditions. This variant is not present in population databases (gnomAD no frequency). This sequence change creates a premature translational stop signal (p.Glu373Profs*29) in the ERCC6 gene. It is expected to result in an absent or disrupted protein product. Loss-of-function variants in ERCC6 are known to be pathogenic (PMID: 18628313, 29572252).

Literature cited by the submitters: PubMed 18628313; PubMed 29572252.